The following is an entry in ClinVar:

NM_001367823.1(ARHGEF18):c.2464A>G (p.Met822Val)

Gene: ARHGEF18 (Rho/Rac guanine nucleotide exchange factor 18; plus strand). Cytogenetic location: 19p13.2.
Variant type: single nucleotide variant.
Coding change: c.2464A>G on transcript NM_001367823.1 (MANE Select); coding-DNA position 2464, A replaced by G.
Protein change: p.Met822Val; replaces methionine 822 with valine.
Molecular consequence: missense variant.
Genome position (GRCh38, 1-based): chr19:7,462,163, A>G. VCF-style: chr19-7462163-A-G. GRCh37 (hg19) VCF-style: chr19-7527049-A-G.
Other names: c.1738A>G, p.Met580Val (NM_001130955.2); c.1426A>G, p.Met476Val (NM_001367824.1, NM_015318.4); short protein forms M580V, M476V, M822V.
Identifiers: ClinVar variation 971686 (VCV000971686.6), dbSNP rs568146544, ClinGen allele CA9136876.

ClinVar aggregate classification (germline): Uncertain significance. Review status: criteria provided, multiple submitters, no conflicts (2 of 4 stars). 3 submissions from 3 submitters: Uncertain significance (3). Last evaluated 2025-03-20.

Conditions:
Inborn genetic diseases. Identifiers: MedGen C0950123, MeSH D030342.

Allele frequency attached by ClinVar (database versions not stated): gnomAD 0.00004 and 0.00008; TOPMed 0.00005; gnomAD exomes 0.00006 and 0.00013; ExAC 0.00012; 1000 Genomes Project 30x 0.00031; 1000 Genomes Project 0.00040.
gnomAD v4.1: 93 of 1,613,914 alleles (0.0058%); highest among the groups gnomAD compares: East Asian, 0.2%; no homozygotes.

Submissions (3):

Ambry Genetics
Classification: Uncertain significance for Inborn genetic diseases. Last evaluated: 2025-03-20. Review status: criteria provided, single submitter. Criteria: Ambry Variant Classification Scheme 2023. Collection method: clinical testing. Allele origin: germline.

Labcorp Genetics (formerly Invitae), Labcorp
Classification: Uncertain significance. Last evaluated: 2022-08-15. Review status: criteria provided, single submitter. Criteria: Invitae Variant Classification Sherloc (09022015). Collection method: clinical testing. Allele origin: germline.
Comment: This sequence change replaces methionine, which is neutral and non-polar, with valine, which is neutral and non-polar, at codon 634 of the ARHGEF18 protein (p.Met634Val). This variant is present in population databases (rs568146544, gnomAD 0.2%). This variant has not been reported in the literature in individuals affected with ARHGEF18-related conditions. ClinVar contains an entry for this variant (Variation ID: 971686). Algorithms developed to predict the effect of missense changes on protein structure and function output the following: SIFT: "Tolerated"; PolyPhen-2: "Benign"; Align-GVGD: "Class C0". The valine amino acid residue is found in multiple mammalian species, which suggests that this missense change does not adversely affect protein function. In summary, the available evidence is currently insufficient to determine the role of this variant in disease. Therefore, it has been classified as a Variant of Uncertain Significance.

Blueprint Genetics
Classification: Uncertain significance. Last evaluated: 2021-02-12. Review status: criteria provided, single submitter. Criteria: ACMG Guidelines, 2015. Collection method: clinical testing. Allele origin: germline.